The following is an entry in ClinVar:

NM_000213.5(ITGB4):c.3017A>T (p.Gln1006Leu)

Gene: ITGB4 (integrin subunit beta 4; plus strand). Cytogenetic location: 17q25.1.
Variant type: single nucleotide variant.
Coding change: c.3017A>T on transcript NM_000213.5 (MANE Select); coding-DNA position 3017, A replaced by T.
Protein change: p.Gln1006Leu; replaces glutamine 1006 with leucine.
Molecular consequence: missense variant.
Genome position (GRCh38, 1-based): chr17:75,743,767, A>T. VCF-style: chr17-75743767-A-T. GRCh37 (hg19) VCF-style: chr17-73739848-A-T.
Other names: c.3017A>T (NM_000213.4); c.3017A>T, p.Gln1006Leu (NM_001005619.2, NM_001005731.3, NM_001321123.2); short protein forms Q1006L.
Identifiers: ClinVar variation 1985738 (VCV001985738.4), dbSNP rs371525263, ClinGen allele CA294075263.

ClinVar aggregate classification (germline): Conflicting classifications of pathogenicity. Review status: criteria provided, conflicting classifications (1 of 4 stars). 3 submissions from 3 submitters: Uncertain significance (2); Likely benign (1). Last evaluated 2025-07-29.

Conditions:
ITGB4-related disorder. Also called: ITGB4-related condition.
Inborn genetic diseases. Identifiers: MedGen C0950123, MeSH D030342.

Allele frequency attached by ClinVar (database versions not stated): gnomAD exomes below 0.00001; gnomAD 0.00001; TOPMed 0.00001.
gnomAD v4.1: 15 of 1,613,396 alleles (0.00093%); highest among the groups gnomAD compares: East Asian, 0.0067%; no homozygotes.

Submissions (3):

Labcorp Genetics (formerly Invitae), Labcorp
Classification: Uncertain significance. Last evaluated: 2025-07-29. Review status: criteria provided, single submitter. Criteria: Invitae Variant Classification Sherloc (09022015). Collection method: clinical testing. Allele origin: germline.
Comment: This sequence change replaces glutamine, which is neutral and polar, with leucine, which is neutral and non-polar, at codon 1006 of the ITGB4 protein (p.Gln1006Leu). This variant is not present in population databases (gnomAD no frequency). This variant has not been reported in the literature in individuals affected with ITGB4-related conditions. ClinVar contains an entry for this variant (Variation ID: 1985738). Invitae Evidence Modeling of protein sequence and biophysical properties (such as structural, functional, and spatial information, amino acid conservation, physicochemical variation, residue mobility, and thermodynamic stability) indicates that this missense variant is not expected to disrupt ITGB4 protein function with a negative predictive value of 80%. In summary, the available evidence is currently insufficient to determine the role of this variant in disease. Therefore, it has been classified as a Variant of Uncertain Significance.

PreventionGenetics, part of Exact Sciences
Classification: Uncertain significance for ITGB4-related condition. Last evaluated: 2025-05-08. Review status: criteria provided, single submitter. Criteria: ACMG Guidelines, 2015. Collection method: clinical testing. Allele origin: germline.
Comment: The ITGB4 c.3017A>T variant is predicted to result in the amino acid substitution p.Gln1006Leu. To our knowledge, this variant has not been reported in the literature or in a large population database (gnomAD), indicating this variant is rare. At this time, the clinical significance of this variant is uncertain due to the absence of conclusive functional and genetic evidence.

Ambry Genetics
Classification: Likely benign for Inborn genetic diseases. Last evaluated: 2023-11-03. Review status: criteria provided, single submitter. Criteria: Ambry Variant Classification Scheme 2023. Collection method: clinical testing. Allele origin: germline.